The following is an entry in ClinVar:

NM_000179.3(MSH6):c.3759A>G (p.Val1253=)

Gene: MSH6 (mutS homolog 6; plus strand). Cytogenetic location: 2p16.3.
Variant type: single nucleotide variant.
Coding change: c.3759A>G on transcript NM_000179.3 (MANE Select); coding-DNA position 3759, A replaced by G.
Protein change: p.Val1253=; no amino-acid change (valine 1253 retained).
Molecular consequence: synonymous variant. On other transcripts: non-coding transcript variant (5).
Genome position (GRCh38, 1-based): chr2:47,806,316, A>G. VCF-style: chr2-47806316-A-G. GRCh37 (hg19) VCF-style: chr2-48033455-A-G.
Other names: c.3369A>G, p.Val1123= (NM_001281492.2); c.2853A>G, p.Val951= (NM_001281493.2, NM_001281494.2, NM_001406811.1 and 6 more transcripts); c.3855A>G, p.Val1285= (NM_001406795.1, NM_001406802.1); c.3759A>G, p.Val1253= (NM_001406796.1, NM_001406800.1, NM_001406808.1 and 1 more transcripts); c.3462A>G, p.Val1154= (NM_001406797.1, NM_001406801.1, NM_001406805.1 and 10 more transcripts); c.3585A>G, p.Val1195= (NM_001406798.1); c.3234A>G, p.Val1078= (NM_001406799.1, NM_001406806.1, NM_001406807.1); c.2895A>G, p.Val965= (NM_001406803.1); and 7 more.
Identifiers: ClinVar variation 3904195 (VCV003904195.1).

ClinVar aggregate classification (germline): Benign (1 of 4 stars; one submission).

Conditions:
Lynch syndrome 5 (LYNCH5). Also called: Colorectal cancer, hereditary nonpolyposis, type 5; Hereditary non-polyposis colorectal cancer, type 5. Identifiers: Orphanet 144, MedGen C1833477, MONDO:0013710, OMIM 614350. Disease mechanism: loss of function.

Submission:

Myriad Genetics, Inc.
Classification: Benign for Lynch syndrome 5. Last evaluated: 2025-01-08. Review status: criteria provided, single submitter. Criteria: Myriad Autosomal Dominant, Autosomal Recessive and X-Linked Classification Criteria (2023). Collection method: clinical testing. Allele origin: unknown.
Comment: This variant is considered benign. This variant is a silent/synonymous amino acid change and it is not expected to impact splicing.